The following is an entry in ClinVar:

ClinVar aggregate classification (germline): Likely pathogenic (1 of 4 stars; one submission).

Conditions:
Familial temporal lobe epilepsy 7. Identifiers: Orphanet 101046, MedGen C4225327, MONDO:0014639, OMIM 616436.

Submission:

Institute of Human Genetics, University of Leipzig Medical Center
Classification: Likely pathogenic for Familial temporal lobe epilepsy 7. Last evaluated: 2024-04-12. Review status: criteria provided, single submitter. Criteria: ACMG Guidelines, 2015. Collection method: clinical testing. Allele origin: unknown. Inheritance: Autosomal dominant inheritance. Affected: yes.
Comment: Criteria applied: PVS1,PM2_SUP

NM_005045.4(RELN):c.9453del (p.Trp3152fs)

Genes: RELN (reelin; minus strand), SLC26A5-AS1 (SLC26A5 antisense RNA 1; plus strand), LOC126860130 (BRD4-independent group 4 enhancer GRCh37_chr7:103130126-103131325; plus strand). Cytogenetic location: 7q22.1.
Variant type: Deletion.
Coding change: c.9453del on transcript NM_005045.4 (MANE Select); coding-DNA position 9453, one base deleted (C; older notation c.9453delC).
Protein change: p.Trp3152fs; shifts the reading frame from tryptophan 3152.
Molecular consequence: frameshift variant.
Genome position (GRCh38, 1-based): chr7:103,490,820, G deleted on the plus strand (C on the coding strand, the reverse complement: RELN is on the minus strand); the first of 2 consecutive G bases (chr7:103,490,820-103,490,821); deleting either gives the same sequence. VCF-style (leftmost placement, unchanged base first): chr7-103490819-AG-A. GRCh37 (hg19) VCF-style: chr7-103131266-AG-A.
Other names: c.9453del, p.Trp3152fs (NM_173054.3); short protein forms W3152fs.
Identifiers: ClinVar variation 3358942 (VCV003358942.2).